The following is an entry in ClinVar:

ClinVar aggregate classification (germline): Uncertain significance (1 of 4 stars; one submission).

Conditions:
Hereditary breast ovarian cancer syndrome. Also called: Hereditary breast and/or ovarian cancer syndrome; Breast and ovarian cancer; Hereditary breast and ovarian cancer; BRCA1- and BRCA2-Associated Hereditary Breast and Ovarian Cancer; Hereditary breast and ovarian cancer syndrome; Hereditary breast and ovarian cancer syndrome (HBOC). Identifiers: Orphanet 145, MedGen C0677776, MeSH D061325, MONDO:0003582. Disease mechanism: loss of function.

Submission:

Labcorp Genetics (formerly Invitae), Labcorp
Classification: Uncertain significance for Hereditary breast ovarian cancer syndrome. Last evaluated: 2022-04-12. Review status: criteria provided, single submitter. Criteria: Invitae Variant Classification Sherloc (09022015). Collection method: clinical testing. Allele origin: germline.
Comment: This variant has not been reported in the literature in individuals affected with BRCA2-related conditions. This sequence change replaces cysteine, which is neutral and slightly polar, with arginine, which is basic and polar, at codon 3404 of the BRCA2 protein (p.Cys3404Arg). This variant is not present in population databases (gnomAD no frequency). Advanced modeling of protein sequence and biophysical properties (such as structural, functional, and spatial information, amino acid conservation, physicochemical variation, residue mobility, and thermodynamic stability) performed at Invitae indicates that this missense variant is not expected to disrupt BRCA2 protein function. In summary, the available evidence is currently insufficient to determine the role of this variant in disease. Therefore, it has been classified as a Variant of Uncertain Significance.

NM_000059.4(BRCA2):c.10210T>C (p.Cys3404Arg)

Gene: BRCA2 (BRCA2 DNA repair associated; plus strand). Cytogenetic location: 13q13.1.
Variant type: single nucleotide variant.
Coding change: c.10210T>C on transcript NM_000059.4 (MANE Select); coding-DNA position 10210, T replaced by C.
Protein change: p.Cys3404Arg; replaces cysteine 3404 with arginine.
Molecular consequence: missense variant.
Genome position (GRCh38, 1-based): chr13:32,398,723, T>C. VCF-style: chr13-32398723-T-C. GRCh37 (hg19) VCF-style: chr13-32972860-T-C.
Other names: short protein forms C3404R.
Identifiers: ClinVar variation 1513393 (VCV001513393.8), dbSNP rs2137667675, ClinGen allele CA387768466.
Genomic context (GRCh38, chr13:32,398,723, plus strand): 5'-CGACGTTGTACTACATCTCTGATCAAAGAACAGGAGAGTTCCCAGGCCAGTACGGAAGAA[T>C]GTGAGAAAAATAAGCAGGACACAATTACAACTAAAAAATATATCTAAGCATTTGCAAAGG-3'
Protein context (NP_000050.3, residues 3394-3414): QESSQASTEE[Cys3404Arg]EKNKQDTITT